The following is an entry in ClinVar:

ClinVar aggregate classification (germline): Uncertain significance (1 of 4 stars; one submission).

Conditions:
Familial thoracic aortic aneurysm and aortic dissection (TAAD). Also called: Thoracic aortic aneurysms and dissections. Identifiers: Orphanet 91387, MedGen C4707243, MONDO:0019625.

gnomAD v4.1: 1 of 1,608,046 alleles (0.000062%); highest among the groups gnomAD compares: African/African-American, 0.0013%; no homozygotes.

Submission:

Ambry Genetics
Classification: Uncertain significance for Familial thoracic aortic aneurysm and aortic dissection. Last evaluated: 2024-03-19. Review status: criteria provided, single submitter. Criteria: Ambry Variant Classification Scheme 2023. Collection method: clinical testing. Allele origin: germline.
Comment: The p.I2547L variant (also known as c.7639A>C), located in coding exon 34 of the NOTCH1 gene, results from an A to C substitution at nucleotide position 7639. The isoleucine at codon 2547 is replaced by leucine, an amino acid with highly similar properties. This amino acid position is conserved. In addition, this alteration is predicted to be tolerated by in silico analysis. Based on the available evidence, the clinical significance of this alteration remains unclear.

NM_017617.5(NOTCH1):c.7639A>C (p.Ile2547Leu)

Gene: NOTCH1 (notch receptor 1; minus strand). Cytogenetic location: 9q34.3.
Variant type: single nucleotide variant.
Coding change: c.7639A>C on transcript NM_017617.5 (MANE Select); coding-DNA position 7639, A replaced by C.
Protein change: p.Ile2547Leu; replaces isoleucine 2547 with leucine.
Molecular consequence: missense variant.
Genome position (GRCh38, 1-based): chr9:136,496,100, T>G on the plus strand (A>C on the coding strand, the complement: NOTCH1 is on the minus strand). VCF-style: chr9-136496100-T-G. GRCh37 (hg19) VCF-style: chr9-139390552-T-G.
Other names: short protein forms I2547L.
Identifiers: ClinVar variation 3300438 (VCV003300438.1).